The following is an entry in ClinVar:

ClinVar aggregate classification (germline): Conflicting classifications of pathogenicity. Review status: criteria provided, conflicting classifications (1 of 4 stars). 4 submissions from 4 submitters: Uncertain significance (2); Likely benign (1). 1 of the submissions does not count toward it. Last evaluated 2024-03-13.

Conditions:
PKHD1-related disorder. Also called: PKHD1-related condition.
Polycystic kidney disease 4 (PKD4). Also called: Autosomal Recessive Polycystic Kidney Disease – PKHD1; PKD3; POLYCYSTIC KIDNEY AND HEPATIC DISEASE 1; POLYCYSTIC KIDNEY DISEASE, INFANTILE, TYPE I; POLYCYSTIC KIDNEY DISEASE 4 WITH OR WITHOUT POLYCYSTIC LIVER DISEASE. Identifiers: MedGen C4540575, MONDO:0033004, OMIM 263200.
Autosomal recessive polycystic kidney disease (ARPKD). Also called: AR polycystic kidney disease. Identifiers: Orphanet 731, Orphanet 8378, MedGen C0085548, MeSH D017044, MONDO:0009889.

Allele frequency attached by ClinVar (database versions not stated): gnomAD 0.00009 and 0.00008; ESP Exome Variant Server 0.00015; 1000 Genomes Project 30x 0.00016; gnomAD exomes 0.00004 and 0.00006; ExAC 0.00006; TOPMed 0.00008.
gnomAD v4.1: 109 of 1,609,574 alleles (0.0068%); highest among the groups gnomAD compares: Non-Finnish European, 0.0081%; no homozygotes.

Submissions (4):

Labcorp Genetics (formerly Invitae), Labcorp
Classification: Likely benign for Autosomal recessive polycystic kidney disease. Last evaluated: 2024-03-13. Review status: criteria provided, single submitter. Criteria: Invitae Variant Classification Sherloc (09022015). Collection method: clinical testing. Allele origin: germline.

Fulgent Genetics
Classification: Uncertain significance for Polycystic kidney disease 4. Last evaluated: 2024-01-03. Review status: criteria provided, single submitter. Criteria: ACMG Guidelines, 2015. Collection method: clinical testing. Allele origin: germline.

Eurofins Ntd Llc (ga)
Classification: Uncertain significance. Last evaluated: 2017-06-29. Review status: criteria provided, single submitter. Criteria: EGL Classification Definitions 2015. Collection method: clinical testing. Allele origin: germline. Observed: 1 variant allele, 1 heterozygote.

PreventionGenetics, part of Exact Sciences
Classification: Likely benign for PKHD1-related condition. Last evaluated: 2021-03-29. Review status: no assertion criteria provided. Collection method: clinical testing. Allele origin: germline. Not counted in ClinVar's aggregate classification.
Comment: This variant is classified as likely benign based on ACMG/AMP sequence variant interpretation guidelines (Richards et al. 2015 PMID: 25741868, with internal and published modifications).

NM_138694.4(PKHD1):c.708-5C>T

Gene: PKHD1 (PKHD1 ciliary IPT domain containing fibrocystin/polyductin; minus strand). Cytogenetic location: 6p12.2.
Variant type: single nucleotide variant.
Coding change: c.708-5C>T on transcript NM_138694.4 (MANE Select); 5 bases into the intron before coding-DNA position 708, C replaced by T.
Molecular consequence: intron variant.
Genome position (GRCh38, 1-based): chr6:52,069,532, G>A on the plus strand (C>T on the coding strand, the complement: PKHD1 is on the minus strand). VCF-style: chr6-52069532-G-A. GRCh37 (hg19) VCF-style: chr6-51934330-G-A.
Other names: c.708-5C>T (NM_138694.3, NM_170724.3).
Identifiers: ClinVar variation 502781 (VCV000502781.15), dbSNP rs371844893, ClinGen allele CA3853798.